The following is an entry in ClinVar:

ClinVar aggregate classification (germline): Uncertain significance (1 of 4 stars; one submission).

Conditions:
Hereditary cancer-predisposing syndrome. Also called: Hereditary Cancer Syndrome; Hereditary neoplastic syndrome; Neoplastic Syndromes, Hereditary; Tumor predisposition. Identifiers: Orphanet 140162, MedGen C0027672, MeSH D009386, MONDO:0015356.

Submission:

Ambry Genetics
Classification: Uncertain significance for Hereditary cancer-predisposing syndrome. Last evaluated: 2019-08-09. Review status: criteria provided, single submitter. Criteria: Ambry Variant Classification Scheme 2023. Collection method: clinical testing. Allele origin: germline.
Comment: The p.V188F variant (also known as c.562G>T), located in coding exon 7 of the BAP1 gene, results from a G to T substitution at nucleotide position 562. The valine at codon 188 is replaced by phenylalanine, an amino acid with highly similar properties. This amino acid position is highly conserved through mammals. In addition, the in silico prediction for this alteration is inconclusive. Since supporting evidence is limited at this time, the clinical significance of this alteration remains unclear.

NM_004656.4(BAP1):c.562G>T (p.Val188Phe)

Gene: BAP1 (BRCA1 associated deubiquitinase 1; minus strand). Cytogenetic location: 3p21.1.
Variant type: single nucleotide variant.
Coding change: c.562G>T on transcript NM_004656.4 (MANE Select); coding-DNA position 562, G replaced by T.
Protein change: p.Val188Phe; replaces valine 188 with phenylalanine.
Molecular consequence: missense variant.
Genome position (GRCh38, 1-based): chr3:52,407,192, C>A on the plus strand (G>T on the coding strand, the complement: BAP1 is on the minus strand). VCF-style: chr3-52407192-C-A. GRCh37 (hg19) VCF-style: chr3-52441208-C-A.
Other names: c.562G>T, p.Val188Phe (NM_001410772.1); short protein forms V188F.
Identifiers: ClinVar variation 1748750 (VCV001748750.2), dbSNP rs1292531623, ClinGen allele CA353109552.